The following is an entry in ClinVar:

ClinVar aggregate classification (germline): Uncertain significance (1 of 4 stars; one submission).

Conditions:
Cardiovascular phenotype. Identifiers: MedGen CN230736.

Allele frequency attached by ClinVar (database versions not stated): gnomAD exomes 0.00001; TOPMed 0.00001; ESP Exome Variant Server 0.00008.
gnomAD v4.1: 7 of 1,612,168 alleles (0.00043%); highest among the groups gnomAD compares: Non-Finnish European, 0.00059%; no homozygotes.

Submission:

Ambry Genetics
Classification: Uncertain significance for Cardiovascular phenotype. Last evaluated: 2017-01-05. Review status: criteria provided, single submitter. Criteria: Ambry Variant Classification Scheme 2023. Collection method: clinical testing. Allele origin: germline.
Comment: The p.D914N variant (also known as c.2740G>A), located in coding exon 34 of the CACNA2D1 gene, results from a G to A substitution at nucleotide position 2740. The aspartic acid at codon 914 is replaced by asparagine, an amino acid with highly similar properties. This amino acid position is highly conserved in available vertebrate species. In addition, this alteration is predicted to be tolerated by in silico analysis. Since supporting evidence is limited at this time, the clinical significance of this alteration remains unclear.

NM_000722.4(CACNA2D1):c.2740G>A (p.Asp914Asn)

Gene: CACNA2D1 (calcium voltage-gated channel auxiliary subunit alpha2delta 1; minus strand). Cytogenetic location: 7q21.11.
Variant type: single nucleotide variant.
Coding change: c.2740G>A on transcript NM_000722.4 (MANE Select); coding-DNA position 2740, G replaced by A.
Protein change: p.Asp914Asn; replaces aspartic acid 914 with asparagine.
Molecular consequence: missense variant.
Genome position (GRCh38, 1-based): chr7:81,964,096, C>T on the plus strand (G>A on the coding strand, the complement: CACNA2D1 is on the minus strand). VCF-style: chr7-81964096-C-T. GRCh37 (hg19) VCF-style: chr7-81593412-C-T.
Other names: c.2740G>A (LRG_437t1); c.2776G>A, p.Asp926Asn (NM_001366867.1); short protein forms D914N, D926N.
Identifiers: ClinVar variation 519382 (VCV000519382.5), dbSNP rs377181609, ClinGen allele CA161121640.
Genomic context (GRCh38, chr7:81,964,096, plus strand): 5'-AAACTAAAATTTTGACTTACCAGGCAGCAGCAGTGGCCCACCAGCCAATTTGTAATATGT[C>T]TGCTACTGATGGCTATAAAATAAAATAATAAGGTCATTTCAGTAGTCTACTTGATACTGA-3'
Protein context (NP_000713.2, residues 904-924): HRSAYVPSVA[Asp914Asn]ILQIGWWATA